The following is an entry in ClinVar:

ClinVar aggregate classification (germline): Likely benign. Review status: criteria provided, multiple submitters, no conflicts (2 of 4 stars). 4 submissions from 4 submitters: Likely benign (3). 1 of the submissions does not count toward it. Last evaluated 2025-09-08.

Conditions:
RECQL-related disorder. Also called: RECQL-related condition.

Allele frequency attached by ClinVar (database versions not stated): ExAC 0.00001; gnomAD exomes 0.00002 and 0.00003; gnomAD 0.00009 and 0.00010; TOPMed 0.00010.
gnomAD v4.1: 46 of 1,594,608 alleles (0.0029%); highest among the groups gnomAD compares: Admixed American, 0.018%; no homozygotes.

Submissions (4):

Labcorp Genetics (formerly Invitae), Labcorp
Classification: Likely benign. Last evaluated: 2025-09-08. Review status: criteria provided, single submitter. Criteria: Invitae Variant Classification Sherloc (09022015). Collection method: clinical testing. Allele origin: germline.

Ambry Genetics
Classification: Likely benign. Last evaluated: 2022-03-07. Review status: criteria provided, single submitter. Criteria: Ambry Variant Classification Scheme 2023. Collection method: clinical testing. Allele origin: germline.

GeneDx
Classification: Likely benign. Last evaluated: 2018-03-07. Review status: criteria provided, single submitter. Criteria: GeneDx Variant Classification (06012015). Collection method: clinical testing. Allele origin: germline. Affected: yes.
Comment: This variant is considered likely benign or benign based on one or more of the following criteria: it is a conservative change, it occurs at a poorly conserved position in the protein, it is predicted to be benign by multiple in silico algorithms, and/or has population frequency not consistent with disease.

PreventionGenetics, part of Exact Sciences
Classification: Likely benign for RECQL-related condition. Last evaluated: 2019-02-21. Review status: no assertion criteria provided. Collection method: clinical testing. Allele origin: germline. Not counted in ClinVar's aggregate classification.
Comment: This variant is classified as likely benign based on ACMG/AMP sequence variant interpretation guidelines (Richards et al. 2015 PMID: 25741868, with internal and published modifications).

NM_002907.4(RECQL):c.198C>T (p.Ala66=)

Gene: RECQL (RecQ like helicase; minus strand). Cytogenetic location: 12p12.1.
Variant type: single nucleotide variant.
Coding change: c.198C>T on transcript NM_002907.4 (MANE Select); coding-DNA position 198, C replaced by T.
Protein change: p.Ala66=; no amino-acid change (alanine 66 retained).
Molecular consequence: synonymous variant.
Genome position (GRCh38, 1-based): chr12:21,491,535, G>A on the plus strand (C>T on the coding strand, the complement: RECQL is on the minus strand). VCF-style: chr12-21491535-G-A. GRCh37 (hg19) VCF-style: chr12-21644469-G-A.
Other names: c.198C>T, p.Ala66= (NM_032941.3).
Identifiers: ClinVar variation 516010 (VCV000516010.13), dbSNP rs754948157, ClinGen allele CA6479181.
Genomic context (GRCh38, chr12:21,491,535, plus strand): 5'-TGAGAAGAAATAAAACTAGCAAAAAAAAAAAAAAAAAAGTTAACCTTCTTTATTCCAAGC[G>A]GCAGGTGAAGAATCATATTCATTGCTTGCCCCGGCATCAGAATCCTCTAAACACTGCTTT-3'
Protein context (NP_002898.2, residues 56-76): GASNEYDSSP[Ala66=]AWNKEDFPWS